The following is an entry in ClinVar:

ClinVar aggregate classification (germline): Uncertain significance (1 of 4 stars; one submission).

Submission:

GeneDx
Classification: Uncertain significance. Last evaluated: 2026-01-28. Review status: criteria provided, single submitter. Criteria: GeneDx Variant Classification Process June 2021. Collection method: clinical testing. Allele origin: germline.
Comment: Not observed at significant frequency in large population cohorts (gnomAD); In silico analysis supports that this missense variant has a deleterious effect on protein structure/function; Has not been previously published as pathogenic or benign to our knowledge

NM_003458.4(BSN):c.5950A>G (p.Met1984Val)

Gene: BSN (bassoon presynaptic cytomatrix protein; plus strand). Cytogenetic location: 3p21.31.
Variant type: single nucleotide variant.
Coding change: c.5950A>G on transcript NM_003458.4 (MANE Select); coding-DNA position 5950, A replaced by G.
Protein change: p.Met1984Val; replaces methionine 1984 with valine.
Molecular consequence: missense variant.
Genome position (GRCh38, 1-based): chr3:49,655,506, A>G. VCF-style: chr3-49655506-A-G. GRCh37 (hg19) VCF-style: chr3-49692939-A-G.
Other names: short protein forms M1984V.
Identifiers: ClinVar variation 4975465 (VCV004975465.1).
Genomic context (GRCh38, chr3:49,655,506, plus strand): 5'-GGGCCCCATGAGGAGCAGAGGCCCTACCCACAAGGCCTGCCTGGTAGGCTGTACTCCTCC[A>G]TGTCTGACACCAATTTGGCTGAGGCTGGCCTCAACTACCATGCCCAGAGGATCGGGCAGC-3'
Protein context (NP_003449.2, residues 1974-1994): QGLPGRLYSS[Met1984Val]SDTNLAEAGL